The following is an entry in ClinVar:

ClinVar aggregate classification (germline): Pathogenic (1 of 4 stars; one submission).

Conditions:
Tuberous sclerosis 1 (TSC1). Identifiers: Orphanet 805, MedGen C1854465, MONDO:0008612, OMIM 191100.

Submission:

Labcorp Genetics (formerly Invitae), Labcorp
Classification: Pathogenic for Tuberous sclerosis 1. Last evaluated: 2024-09-08. Review status: criteria provided, single submitter. Criteria: Invitae Variant Classification Sherloc (09022015). Collection method: clinical testing. Allele origin: germline.
Comment: This sequence change creates a premature translational stop signal (p.Leu113Phefs*5) in the TSC1 gene. It is expected to result in an absent or disrupted protein product. Loss-of-function variants in TSC1 are known to be pathogenic (PMID: 10227394, 17304050). This variant is not present in population databases (gnomAD no frequency). This variant has not been reported in the literature in individuals affected with TSC1-related conditions. ClinVar contains an entry for this variant (Variation ID: 2028311). Algorithms developed to predict the effect of sequence changes on RNA splicing suggest that this variant may disrupt the consensus splice site. For these reasons, this variant has been classified as Pathogenic.

Literature cited by the submitters: PubMed 10227394; PubMed 17304050.

NM_000368.5(TSC1):c.339del (p.Leu113fs)

Gene: TSC1 (TSC complex subunit 1; minus strand). Cytogenetic location: 9q34.13.
Variant type: Deletion.
Coding change: c.339del on transcript NM_000368.5 (MANE Select); coding-DNA position 339, one base deleted (G; older notation c.339delG).
Protein change: p.Leu113fs; shifts the reading frame from leucine 113.
Molecular consequence: frameshift variant. On other transcripts: 5 prime UTR variant (1), intron variant (1).
Genome position (GRCh38, 1-based): chr9:132,925,611, C deleted on the plus strand (G on the coding strand, the reverse complement: TSC1 is on the minus strand). VCF-style (leftmost placement, unchanged base first): chr9-132925610-GC-G. GRCh37 (hg19) VCF-style: chr9-135800997-GC-G.
Other names: c.339del, p.Leu113fs (NM_001162426.2); c.-25del (NM_001362177.2); c.339delG, p.Leu113Phefs (NM_001406592.1, NM_001406593.1, NM_001406594.1 and 15 more transcripts); c.210+1590del (NM_001162427.2); c.-681delG (NM_001406629.1); c.-755delG (NM_001406630.1); c.-117delG (NM_001406614.1, NM_001406616.1, NM_001406624.1); c.-150delG (NM_001406615.1, NM_001406623.1); and 2 more; short protein forms L113fs.
Identifiers: ClinVar variation 2028311 (VCV002028311.4), dbSNP rs2539071725, ClinGen allele CA2580080075.